The following is an entry in ClinVar:

ClinVar aggregate classification (germline): Uncertain significance (1 of 4 stars; one submission).

Conditions:
Inborn genetic diseases. Identifiers: MedGen C0950123, MeSH D030342.

Submission:

Ambry Genetics
Classification: Uncertain significance for Inborn genetic diseases. Last evaluated: 2025-06-20. Review status: criteria provided, single submitter. Criteria: Ambry Variant Classification Scheme 2023. Collection method: clinical testing. Allele origin: germline.
Comment: The p.I1225V variant (also known as c.3673A>G), located in coding exon 33 of the RTEL1 gene, results from an A to G substitution at nucleotide position 3673. The isoleucine at codon 1225 is replaced by valine, an amino acid with highly similar properties. This amino acid position is conserved. In addition, this alteration is predicted to be tolerated by in silico analysis. Based on the available evidence, the clinical significance of this variant remains unclear.

NM_001283009.2(RTEL1):c.3673A>G (p.Ile1225Val)

Genes: RTEL1 (regulator of telomere elongation helicase 1; plus strand), RTEL1-TNFRSF6B (RTEL1-TNFRSF6B readthrough (NMD candidate); plus strand). Cytogenetic location: 20q13.33.
Variant type: single nucleotide variant.
Coding change: c.3673A>G on transcript NM_001283009.2 (MANE Select); coding-DNA position 3673, A replaced by G.
Protein change: p.Ile1225Val; replaces isoleucine 1225 with valine.
Molecular consequence: missense variant. On other transcripts: non-coding transcript variant (1), intron variant (3).
Genome position (GRCh38, 1-based): chr20:63,695,501, A>G. VCF-style: chr20-63695501-A-G. GRCh37 (hg19) VCF-style: chr20-62326854-A-G.
Other names: c.2983+21A>G (NM_001283010.1); c.3724+21A>G (NM_032957.5); c.3652+21A>G (NM_016434.4); short protein forms I1225V.
Identifiers: ClinVar variation 4157565 (VCV004157565.1).